The following is an entry in ClinVar:

ClinVar aggregate classification (germline): Uncertain significance (1 of 4 stars; one submission).

Allele frequency attached by ClinVar (database versions not stated): gnomAD exomes below 0.00001; TOPMed below 0.00001; ExAC 0.00001; gnomAD 0.00001; 1000 Genomes Project 30x 0.00016; 1000 Genomes Project 0.00020.
gnomAD v4.1: 4 of 1,614,266 alleles (0.00025%); highest among the groups gnomAD compares: African/African-American, 0.0053%; no homozygotes.

Submission:

Labcorp Genetics (formerly Invitae), Labcorp
Classification: Uncertain significance. Last evaluated: 2024-01-29. Review status: criteria provided, single submitter. Criteria: Invitae Variant Classification Sherloc (09022015). Collection method: clinical testing. Allele origin: germline.
Comment: This sequence change replaces lysine, which is basic and polar, with arginine, which is basic and polar, at codon 638 of the BACH2 protein (p.Lys638Arg). This variant is present in population databases (rs532565051, gnomAD 0.007%). This variant has not been reported in the literature in individuals affected with BACH2-related conditions. Advanced modeling of protein sequence and biophysical properties (such as structural, functional, and spatial information, amino acid conservation, physicochemical variation, residue mobility, and thermodynamic stability) performed at Invitae indicates that this missense variant is not expected to disrupt BACH2 protein function with a negative predictive value of 80%. In summary, the available evidence is currently insufficient to determine the role of this variant in disease. Therefore, it has been classified as a Variant of Uncertain Significance.

NM_021813.4(BACH2):c.1913A>G (p.Lys638Arg)

Gene: BACH2 (BACH transcriptional regulator 2; minus strand). Cytogenetic location: 6q15.
Variant type: single nucleotide variant.
Coding change: c.1913A>G on transcript NM_021813.4 (MANE Select); coding-DNA position 1913, A replaced by G.
Protein change: p.Lys638Arg; replaces lysine 638 with arginine.
Molecular consequence: missense variant.
Genome position (GRCh38, 1-based): chr6:89,938,274, T>C on the plus strand (A>G on the coding strand, the complement: BACH2 is on the minus strand). VCF-style: chr6-89938274-T-C. GRCh37 (hg19) VCF-style: chr6-90647993-T-C.
Other names: c.1913A>G, p.Lys638Arg (NM_001170794.2); short protein forms K638R.
Identifiers: ClinVar variation 2978540 (VCV002978540.3), dbSNP rs532565051, ClinGen allele CA3927896.
Genomic context (GRCh38, chr6:89,938,274, plus strand): 5'-ATGCGGTTCTTGCTGCGCCGTCGGACATCATGAATAAACTCTAACTGTTCTGAGGTTAGC[T>C]TGTGCATTTTAATCATCATCTGGAAATCGTTCCTTGGAAGATCTGTGATTTGATCTACAG-3'
Protein context (NP_068585.1, residues 628-648): NDFQMMIKMH[Lys638Arg]LTSEQLEFIH